The following is an entry in ClinVar:

ClinVar aggregate classification (germline): Pathogenic (1 of 4 stars; one submission).

Conditions:
Rubinstein-Taybi syndrome (RSTS). Identifiers: Orphanet 783, MedGen C0035934, MONDO:0019188.

Submission:

Labcorp Genetics (formerly Invitae), Labcorp
Classification: Pathogenic for Rubinstein-Taybi syndrome. Last evaluated: 2022-12-01. Review status: criteria provided, single submitter. Criteria: Invitae Variant Classification Sherloc (09022015). Collection method: clinical testing. Allele origin: germline.
Comment: This variant has not been reported in the literature in individuals affected with CREBBP-related conditions. This variant is not present in population databases (gnomAD no frequency). This sequence change creates a premature translational stop signal (p.Gln946*) in the CREBBP gene. It is expected to result in an absent or disrupted protein product. Loss-of-function variants in CREBBP are known to be pathogenic (PMID: 17052327, 18792986). For these reasons, this variant has been classified as Pathogenic.

Literature cited by the submitters: PubMed 17052327; PubMed 18792986.

NM_004380.3(CREBBP):c.2836C>T (p.Gln946Ter)

Gene: CREBBP (CREB binding lysine acetyltransferase; minus strand). Cytogenetic location: 16p13.3.
Variant type: single nucleotide variant.
Coding change: c.2836C>T on transcript NM_004380.3 (MANE Select); coding-DNA position 2836, C replaced by T.
Protein change: p.Gln946Ter; replaces glutamine 946 with a stop codon.
Molecular consequence: nonsense.
Genome position (GRCh38, 1-based): chr16:3,770,614, G>A on the plus strand (C>T on the coding strand, the complement: CREBBP is on the minus strand). VCF-style: chr16-3770614-G-A. GRCh37 (hg19) VCF-style: chr16-3820615-G-A.
Other names: c.2722C>T, p.Gln908Ter (NM_001079846.1); short protein forms Q908*, Q946*.
Identifiers: ClinVar variation 2817764 (VCV002817764.3), dbSNP rs2141199028, ClinGen allele CA394550039.
Genomic context (GRCh38, chr16:3,770,614, plus strand): 5'-AGACAGAGAGGCTTACCGGTGTGCCAGGAGGCTGGGCGTGCACAGGCGTCGGCTGTTGCT[G>A]CGATGACTGAGGGGTAGCCACAGACGGGGGCTGAACTGGGGTTTGAGGCTGCGGGGTCAC-3'